The following is an entry in ClinVar:

ClinVar aggregate classification (germline): Likely benign (0 of 4 stars; one submission).

Conditions:
CHST8-related disorder. Also called: CHST8-related condition.

Allele frequency attached by ClinVar (database versions not stated): 1000 Genomes Project 30x 0.00031.
gnomAD v4.1: 73 of 1,609,800 alleles (0.0045%); highest among the groups gnomAD compares: African/African-American, 0.092%; no homozygotes.

Submission:

PreventionGenetics, part of Exact Sciences
Classification: Likely benign for CHST8-related condition. Last evaluated: 2019-08-14. Review status: no assertion criteria provided. Collection method: clinical testing. Allele origin: germline.
Comment: This variant is classified as likely benign based on ACMG/AMP sequence variant interpretation guidelines (Richards et al. 2015 PMID: 25741868, with internal and published modifications).

NM_001127895.2(CHST8):c.229C>A (p.Arg77=)

Gene: CHST8 (carbohydrate sulfotransferase 8; plus strand). Cytogenetic location: 19q13.11.
Variant type: single nucleotide variant.
Coding change: c.229C>A on transcript NM_001127895.2 (MANE Select); coding-DNA position 229, C replaced by A.
Protein change: p.Arg77=; no amino-acid change (arginine 77 retained).
Molecular consequence: synonymous variant.
Genome position (GRCh38, 1-based): chr19:33,772,017, C>A. VCF-style: chr19-33772017-C-A. GRCh37 (hg19) VCF-style: chr19-34262922-C-A.
Other names: c.229C>A, p.Arg77= (NM_001127896.2, NM_022467.3).
Identifiers: ClinVar variation 3035529 (VCV003035529.2), dbSNP rs149660944, ClinGen allele CA9364679.
Genomic context (GRCh38, chr19:33,772,017, plus strand): 5'-GACCTCCCACCAGGCGGCTCCCAGGATGGTGACTTGAAGGAACCCACAGAGAGGGTCACT[C>A]GGGACTTATCCAGTGGGGCCCCGAGGGGCCGCAACCTGCCAGCGCCTGACCAGCCTCAAC-3'
Protein context (NP_001121367.1, residues 67-87): DLKEPTERVT[Arg77=]DLSSGAPRGR